The following is an entry in ClinVar:

ClinVar aggregate classification (germline): Uncertain significance. Review status: criteria provided, multiple submitters, no conflicts (2 of 4 stars). 6 submissions from 6 submitters: Uncertain significance (6). Last evaluated 2026-03-10.

Conditions:
BBS2-related disorder. Also called: BBS2-related disorders; BBS2-related condition. Identifiers: MedGen CN239228.
Bardet-Biedl syndrome 2 (BBS2). Identifiers: Orphanet 110, MedGen C2936863, MONDO:0014432, OMIM 615981.
Retinal dystrophy. Also called: Inherited retinal dystrophy. Identifiers: HP:0000556, Orphanet 71862, MedGen C0854723, MeSH D058499, MONDO:0019118.
Bardet-Biedl syndrome (BBS). Identifiers: Orphanet 110, MedGen C0752166, MONDO:0015229.

Allele frequency attached by ClinVar (database versions not stated): gnomAD 0.00001; gnomAD exomes 0.00003; TOPMed 0.00007.
gnomAD v4.1: 46 of 1,614,078 alleles (0.0028%); highest among the groups gnomAD compares: East Asian, 0.051%; no homozygotes.

Submissions (6):

PreventionGenetics, part of Exact Sciences
Classification: Uncertain significance for BBS2-related condition. Last evaluated: 2026-03-10. Review status: criteria provided, single submitter. Criteria: ACMG Guidelines, 2015. Collection method: clinical testing. Allele origin: germline.
Comment: The BBS2 c.1486A>G variant is predicted to result in the amino acid substitution p.Ile496Val. To our knowledge, this variant has not been reported in the literature. This variant is reported in 0.076% of alleles in individuals of East Asian descent in gnomAD. Although we suspect that this variant may be benign, at this time, the clinical significance of this variant is uncertain due to the absence of conclusive functional and genetic evidence.

Dept Of Ophthalmology, Nagoya University
Classification: Uncertain significance for Retinal dystrophy. Last evaluated: 2023-10-01. Review status: criteria provided, single submitter. Criteria: Submitter's publication. Collection method: research. Allele origin: germline. Affected: yes.

Blueprint Genetics
Classification: Uncertain significance. Last evaluated: 2023-01-11. Review status: criteria provided, single submitter. Criteria: ACMG Guidelines, 2015. Collection method: clinical testing. Allele origin: germline.

Labcorp Genetics (formerly Invitae), Labcorp
Classification: Uncertain significance for Bardet-Biedl syndrome. Last evaluated: 2022-06-20. Review status: criteria provided, single submitter. Criteria: Invitae Variant Classification Sherloc (09022015). Collection method: clinical testing. Allele origin: germline.
Comment: This sequence change replaces isoleucine, which is neutral and non-polar, with valine, which is neutral and non-polar, at codon 496 of the BBS2 protein (p.Ile496Val). This variant is present in population databases (rs549070573, gnomAD 0.08%). This variant has not been reported in the literature in individuals affected with BBS2-related conditions. ClinVar contains an entry for this variant (Variation ID: 319856). Algorithms developed to predict the effect of missense changes on protein structure and function output the following: SIFT: "Tolerated"; PolyPhen-2: "Benign"; Align-GVGD: "Class C0". The valine amino acid residue is found in multiple mammalian species, which suggests that this missense change does not adversely affect protein function. Algorithms developed to predict the effect of sequence changes on RNA splicing suggest that this variant may create or strengthen a splice site. In summary, the available evidence is currently insufficient to determine the role of this variant in disease. Therefore, it has been classified as a Variant of Uncertain Significance.

Illumina Laboratory Services, Illumina
Classification: Uncertain significance for Bardet-Biedl syndrome 2. Last evaluated: 2018-01-12. Review status: criteria provided, single submitter. Criteria: ICSL Variant Classification Criteria 13 December 2019. Collection method: clinical testing. Allele origin: germline.

Breakthrough Genomics
Classification: Uncertain significance. Review status: criteria provided, single submitter. Criteria: ACMG Guidelines, 2015. Collection method: not provided. Allele origin: germline. Inheritance: Autosomal recessive inheritance. Affected: yes.

NM_031885.5(BBS2):c.1486A>G (p.Ile496Val)

Gene: BBS2 (Bardet-Biedl syndrome 2; minus strand). Cytogenetic location: 16q13.
Variant type: single nucleotide variant.
Coding change: c.1486A>G on transcript NM_031885.5 (MANE Select); coding-DNA position 1486, A replaced by G.
Protein change: p.Ile496Val; replaces isoleucine 496 with valine.
Molecular consequence: missense variant. On other transcripts: non-coding transcript variant (5).
Genome position (GRCh38, 1-based): chr16:56,499,819, T>C on the plus strand (A>G on the coding strand, the complement: BBS2 is on the minus strand). VCF-style: chr16-56499819-T-C. GRCh37 (hg19) VCF-style: chr16-56533731-T-C.
Other names: c.1486A>G, p.Ile496Val (NM_001377456.1); short protein forms I496V.
Identifiers: ClinVar variation 319856 (VCV000319856.14), dbSNP rs549070573, ClinGen allele CA8065722.